The following is an entry in ClinVar:

NM_001267550.2(TTN):c.11781del (p.Lys3927fs)

Gene: TTN (titin; minus strand). Cytogenetic location: 2q31.2.
Variant type: Deletion.
Coding change: c.11781del on transcript NM_001267550.2 (MANE Select); coding-DNA position 11781, one base deleted (A; older notation c.11781delA).
Protein change: p.Lys3927fs; shifts the reading frame from lysine 3927.
Molecular consequence: frameshift variant. On other transcripts: intron variant (1).
Genome position (GRCh38, 1-based): chr2:178,741,452, T deleted on the plus strand (A on the coding strand, the reverse complement: TTN is on the minus strand); the first of 4 consecutive T bases (chr2:178,741,452-178,741,455); deleting any one gives the same sequence. VCF-style (leftmost placement, unchanged base first): chr2-178741451-AT-A. GRCh37 (hg19) VCF-style: chr2-179606178-AT-A.
Other names: c.10830del, p.Lys3610fs (NM_001256850.1); c.11778delA, p.Lys3927Asnfs (NM_001267550.1); c.10692del, p.Lys3564fs (NM_003319.4); c.11067del, p.Lys3689fs (NM_133432.3); c.11268del, p.Lys3756fs (NM_133437.4); c.10361-3092del (NM_133378.4); short protein forms K3564fs, K3610fs, K3689fs, K3756fs, K3927fs.
Identifiers: ClinVar variation 1723736 (VCV001723736.6), dbSNP rs2530721015, ClinGen allele CA2580065185.
Genomic context (GRCh38, chr2:178,741,451, plus strand): 5'-GAATTGGTTTTAACTCCTTAAGGAAGTGAGGAGGACAAGGACCTCCCAGCTTTTCCAGAG[AT>A]TTTGCCACTGCTGATTCTGTTTCAGTGTCTTTGTGACCCTCTCCTTTGGAATTAATTTTT-3'

ClinVar aggregate classification (germline): Likely pathogenic (1 of 4 stars; one submission).

Submission:

GeneDx
Classification: Likely pathogenic. Last evaluated: 2025-12-30. Review status: criteria provided, single submitter. Criteria: GeneDx Variant Classification Process June 2021. Collection method: clinical testing. Allele origin: germline. Affected: yes.
Comment: Not observed at significant frequency in large population cohorts (gnomAD); Has not been previously published as pathogenic or benign to our knowledge; This variant is associated with the following publications: (PMID: 27625338, 27869827, 32778822)